The following is an entry in ClinVar:

ClinVar aggregate classification (germline): Pathogenic (1 of 4 stars; one submission).

Conditions:
Kleefstra syndrome 1 (KLEFS1). Identifiers: Orphanet 261494, MedGen C0795833, MONDO:0027407, OMIM 610253.

Submission:

Labcorp Genetics (formerly Invitae), Labcorp
Classification: Pathogenic for Kleefstra syndrome 1. Last evaluated: 2020-03-06. Review status: criteria provided, single submitter. Criteria: Invitae Variant Classification Sherloc (09022015). Collection method: clinical testing. Allele origin: germline.
Comment: This variant is a gross deletion of the genomic region encompassing exons 7-27 of the EHMT1 gene. The 5' boundary is likely confined to intron 6. The 3' end of this event is unknown as it extends through the termination codon beyond the assayed region for this gene and may encompass additional genes. While this deletion is not anticipated to result in nonsense mediated decay, it is expected to create a truncated protein product or disrupt mRNA translation. This variant has not been reported in the literature in individuals with EHMT1-related conditions. This variant disrupts the C-terminus of the EHMT1 protein. Other variant(s) that disrupt this region (p.Ser960Glyfs*7) have been determined to be pathogenic (PMID: 22670141). This suggests that variants that disrupt this region of the protein are likely to be causative of disease. For these reasons, this variant has been classified as Pathogenic.

Literature cited by the submitters: PubMed 22670141.

NC_000009.11:g.(?_140646763)_(140729425_?)del

Genes: EHMT1 (euchromatic histone lysine methyltransferase 1; plus strand), LOC651337 (uncharacterized LOC651337; minus strand). Cytogenetic location: 9q34.3.
Variant type: Deletion.
Identifiers: ClinVar variation 1073971 (VCV001073971.1).